The following is an entry in ClinVar:

NM_016239.4(MYO15A):c.1619G>A (p.Arg540His)

Gene: MYO15A (myosin XVA; plus strand). Cytogenetic location: 17p11.2.
Variant type: single nucleotide variant.
Coding change: c.1619G>A on transcript NM_016239.4 (MANE Select); coding-DNA position 1619, G replaced by A.
Protein change: p.Arg540His; replaces arginine 540 with histidine.
Molecular consequence: missense variant.
Genome position (GRCh38, 1-based): chr17:18,120,419, G>A. VCF-style: chr17-18120419-G-A. GRCh37 (hg19) VCF-style: chr17-18023733-G-A.
Other names: short protein forms R540H.
Identifiers: ClinVar variation 1924399 (VCV001924399.3), dbSNP rs750391522, ClinGen allele CA8423136.
Genomic context (GRCh38, chr17:18,120,419, plus strand): 5'-CCCCGGTTTCCGCTGTGCCCTACGGCCACCCTTTCTGGGGCTTCCTCACGCCGCGCCAGC[G>A]CAACCTCCAGCGCGCGCTGTCGGCCTTCGGCGCCCACCGGGGCCTGGGCTTCGGCCCTGA-3'
Protein context (NP_057323.3, residues 530-550): PFWGFLTPRQ[Arg540His]NLQRALSAFG

ClinVar aggregate classification (germline): Uncertain significance. Review status: criteria provided, multiple submitters, no conflicts (2 of 4 stars). 2 submissions from 2 submitters: Uncertain significance (2). Last evaluated 2024-02-21.

Allele frequency attached by ClinVar (database versions not stated): ExAC 0.00001; TOPMed 0.00004; gnomAD 0.00005.
gnomAD v4.1: 73 of 1,599,262 alleles (0.0046%); highest among the groups gnomAD compares: Non-Finnish European, 0.0061%; no homozygotes.

Submissions (2):

Blueprint Genetics
Classification: Uncertain significance. Last evaluated: 2024-02-21. Review status: criteria provided, single submitter. Criteria: ACMG Guidelines, 2015. Collection method: clinical testing. Allele origin: germline.

Labcorp Genetics (formerly Invitae), Labcorp
Classification: Uncertain significance. Last evaluated: 2022-04-09. Review status: criteria provided, single submitter. Criteria: Invitae Variant Classification Sherloc (09022015). Collection method: clinical testing. Allele origin: germline.
Comment: This sequence change replaces arginine, which is basic and polar, with histidine, which is basic and polar, at codon 540 of the MYO15A protein (p.Arg540His). This variant is present in population databases (rs750391522, gnomAD 0.006%). This variant has not been reported in the literature in individuals affected with MYO15A-related conditions. Advanced modeling of protein sequence and biophysical properties (such as structural, functional, and spatial information, amino acid conservation, physicochemical variation, residue mobility, and thermodynamic stability) performed at Invitae indicates that this missense variant is not expected to disrupt MYO15A protein function. In summary, the available evidence is currently insufficient to determine the role of this variant in disease. Therefore, it has been classified as a Variant of Uncertain Significance.